The following is an entry in ClinVar:

ClinVar aggregate classification (germline): Pathogenic (1 of 4 stars; one submission).

Submission:

Labcorp Genetics (formerly Invitae), Labcorp
Classification: Pathogenic. Last evaluated: 2023-04-28. Review status: criteria provided, single submitter. Criteria: Invitae Variant Classification Sherloc (09022015). Collection method: clinical testing. Allele origin: germline.
Comment: This variant is not present in population databases (gnomAD no frequency). For these reasons, this variant has been classified as Pathogenic. This variant has not been reported in the literature in individuals affected with SLC39A4-related conditions. This sequence change creates a premature translational stop signal (p.Met219Tyrfs*22) in the SLC39A4 gene. It is expected to result in an absent or disrupted protein product. Loss-of-function variants in SLC39A4 are known to be pathogenic (PMID: 12955721).

Literature cited by the submitters: PubMed 12955721.

NM_130849.4(SLC39A4):c.653dup (p.Met219fs)

Gene: SLC39A4 (solute carrier family 39 member 4; minus strand). Cytogenetic location: 8q24.3.
Variant type: Duplication.
Coding change: c.653dup on transcript NM_130849.4 (MANE Select); coding-DNA position 653, one base duplicated (C; older notation c.653dupC).
Protein change: p.Met219fs; shifts the reading frame from methionine 219.
Molecular consequence: frameshift variant.
Genome position (GRCh38, 1-based): chr8:144,415,241, G duplicated on the plus strand (C on the coding strand, the reverse complement: SLC39A4 is on the minus strand); the first of 3 consecutive G bases (chr8:144,415,241-144,415,243); duplicating any one gives the same sequence. VCF-style (leftmost placement, unchanged base first): chr8-144415240-A-AG. GRCh37 (hg19) VCF-style: chr8-145640624-A-AG.
Other names: c.371dup, p.Met125fs (NM_001374839.1); c.578dup, p.Met194fs (NM_017767.3); short protein forms M194fs, M125fs, M219fs.
Identifiers: ClinVar variation 2857853 (VCV002857853.3), dbSNP rs2537435642, ClinGen allele CA2739269103.